The following is an entry in ClinVar:

ClinVar aggregate classification (germline): Conflicting classifications of pathogenicity. Review status: criteria provided, conflicting classifications (1 of 4 stars). 11 submissions from 11 submitters: Pathogenic (7); Uncertain significance (2). 2 of the submissions do not count toward it. Last evaluated 2025-10-26.

Conditions:
Cardiovascular phenotype. Identifiers: MedGen CN230736.
Charcot-Marie-Tooth disease type 2. Also called: Charcot-Marie-Tooth type 2. Identifiers: Orphanet 64746, MedGen C0270914, MONDO:0018993.
Cardiomyopathy (CMYO). Also called: Cardiomyopathies. Identifiers: Orphanet 167848, MedGen C0878544, MONDO:0004994, HP:0001638. Inheritance: Various modes of inheritance.
Heart-hand syndrome, Slovenian type. Identifiers: Orphanet 168796, MedGen C1857829, MONDO:0012417, OMIM 610140.
Familial partial lipodystrophy, Dunnigan type. Also called: Partial lipodystrophy, Dunnigan; LIPODYSTROPHY, FAMILIAL, OF LIMBS AND LOWER TRUNK; LIPODYSTROPHY, REVERSE PARTIAL. Identifiers: Orphanet 2348, MedGen C1720860, MONDO:0007906, OMIM 151660.
Primary dilated cardiomyopathy (DCM). Also called: Dilated Cardiomyopathy. Identifiers: Orphanet 217604, MedGen C0007193, MeSH D002311, MONDO:0005021, HP:0001644. Inheritance: Various modes of inheritance.

Allele frequency attached by ClinVar (database versions not stated): TOPMed 0.00001; gnomAD exomes below 0.00001.

Submissions (11):

Labcorp Genetics (formerly Invitae), Labcorp
Classification: Pathogenic for Charcot-Marie-Tooth disease type 2. Last evaluated: 2025-10-26. Review status: criteria provided, single submitter. Criteria: Invitae Variant Classification Sherloc (09022015). Collection method: clinical testing. Allele origin: germline.
Comment: This sequence change is expected to alter the c-terminus of the LMNA protein (p.Thr655Asnfs*49). While this is not anticipated to result in nonsense mediated decay, it is expected to disrupt the last 10 amino acid(s) of the LMNA protein and extend the protein by 38 additional amino acid residues. This variant is not present in population databases (gnomAD no frequency). This frameshift has been observed in individuals with familial partial lipodystrophy (FPLD2) and dilated cardiomyopathy (PMID: 17711925, 25163546, 25819867). This variant is also known as c.1870_1871insG (p.R624fs). ClinVar contains an entry for this variant (Variation ID: 66878). For these reasons, this variant has been classified as Pathogenic.

Color Diagnostics, LLC DBA Color Health
Classification: Uncertain significance for Cardiomyopathy. Last evaluated: 2025-07-21. Review status: criteria provided, single submitter. Criteria: ACMG Guidelines, 2015. Collection method: clinical testing. Allele origin: germline.
Comment: This variant inserts 1 nucleotide in exon 11 of the lamin A transcript (NM_170707.3), causing a frameshift in the last exon and addition of 49 new amino acids before introducing a stop codon. This variant represents a single nucleotide insertion in the 3' untranslated region of the lamin C transcript (NM_005572.3: c.*986dup). This results in a protein product that is 39 amino acids longer than the normal protein product. A functional study has shown that this variant causes abnormal post-translational maturation and premature senescence (PMID: 21346069). This variant has been reported as a founder variant from Reunion Island in association with lipodystrophy and laminopathy, showing a more severe phenotype in homozygous individuals than in heterozygous individuals (PMID: 17711925, 21346069, 25819867, 34292171). This variant has been reported in the heterozygous state in an individual affected with dilated cardiomyopathy (PMID: 25163546) and in the homozygous state in several individuals affected with dilated cardiomyopathy (PMID: 34292171). It has also been reported in an individual affected with sudden cardiac arrest (PMID: 35528128)the variant was also identified in 3 unaffected family members. This variant has not been identified in the general population by the Genome Aggregation Database (gnomAD). Due to the insufficient evidence, this variant is classified as a Variant of Uncertain Significance for autosomal dominant cardiomyopathy.

Women's Health and Genetics/Laboratory Corporation of America, LabCorp
Classification: Pathogenic for Familial partial lipodystrophy, Dunnigan type. Last evaluated: 2024-09-23. Review status: criteria provided, single submitter. Criteria: LabCorp Variant Classification Summary - May 2015. Collection method: clinical testing. Allele origin: germline.
Comment: Variant summary: LMNA c.1961dupG (p.Thr655AsnfsX49) causes a frameshift which results in an extension of the protein. The variant was absent in 246904 control chromosomes (gnomAD). c.1961dupG has been reported in the literature in multiple individuals affected with familial partial lipodystrophy type 2 (FPLD2) in both the heterozygous and homozygous state (e.g. Treiber_2021). These data indicate that the variant is very likely to be associated with disease. The following publication has been ascertained in the context of this evaluation (PMID: 34292171). ClinVar contains an entry for this variant (Variation ID: 66878). Based on the evidence outlined above, the variant was classified as pathogenic.

Molecular Diagnostic Laboratory for Inherited Cardiovascular Disease, Montreal Heart Institute
Classification: Pathogenic for Cardiovascular phenotype. Last evaluated: 2024-09-11. Review status: criteria provided, single submitter. Criteria: ACMG Guidelines, 2015. Collection method: clinical testing. Allele origin: germline. Affected: yes.
Comment: PVS1, PS4, PP1_strong, PM2

Ambry Genetics
Classification: Pathogenic for Cardiovascular phenotype. Last evaluated: 2024-01-03. Review status: criteria provided, single submitter. Criteria: Ambry Variant Classification Scheme 2023. Collection method: clinical testing. Allele origin: germline.
Comment: The c.1961dupG pathogenic mutation, located in coding exon 11 of the LMNA gene, results from a duplication of G at nucleotide position 1961, causing a translational frameshift with a predicted alternate stop codon (p.T655Nfs*49). This mutation has been identified in multiple homozygous individuals with familial partial lipodystrophy type 2 (FPLD2) (Decaudain A et al. J. Clin. Endocrinol. Metab., 2007 Dec;92:4835-44; Le Dour C et al. J. Clin. Endocrinol. Metab., 2011 May;96:E856-62; Andre P et al. Am. Heart J., 2015 Apr;169:587-93). In one study, 7/10 homozygous and 3/25 heterozygous individuals demonstrated cardiolaminopathy manifestations (Andre P et al. Am. Heart J., 2015 Apr;169:587-93). This mutation was also identified in a cohort of individuals with dilated cardiomyopathy (Haas J et al. Eur. Heart J., 2015 May;36:1123-35a). Frameshifts are typically deleterious in nature; however, this frameshift occurs at the 3' terminus of LMNA, is not expected to trigger nonsense-mediated mRNA decay, impacts the last 10 amino acids, and results in the elongation of the protein by 38 amino acids. The exact functional impact of the added amino acids is unknown at this time; however, the resulting protein from patient fibroblasts showed no evidence of posttranslational farnesylation CSIM site (Le Dour C et al. J. Clin. Endocrinol. Metab., 2011 May;96:E856-62). This variant is also considered to be rare based on population cohorts in the Genome Aggregation Database (gnomAD). Based on the supporting evidence, this alteration is interpreted as a disease-causing mutation.

All of Us Research Program, National Institutes of Health
Classification: Uncertain significance for Primary dilated cardiomyopathy. Last evaluated: 2023-06-26. Review status: criteria provided, single submitter. Criteria: ACMG Guidelines, 2015. Collection method: clinical testing. Allele origin: germline. Inheritance: Autosomal dominant inheritance. Observed: 1 variant allele, 1 heterozygote.
Comment: This variant inserts 1 nucleotide in exon 11 of the lamin A transcript (NM_170707.3), causing a frameshift in the last exon and addition of 49 new amino acids before introducing a stop codon. This variant represents a single nucleotide insertion in the 3' untranslated region of the lamin C transcript (NM_005572.3: c.*986dup). This results in a protein product that is 39 amino acids longer than the normal protein product. A functional study has shown that this variant causes abnormal post-translational maturation and premature senescence (PMID: 21346069). This variant has been reported as a founder variant from Reunion Island in association with lipodystrophy and laminopathy, showing a more severe phenotype in homozygous individuals than in heterozygous individuals (PMID: 17711925, 21346069, 25819867, 34292171). This variant has been reported in the heterozygous state in an individual affected with dilated cardiomyopathy (PMID: 25163546) and in the homozygous state in several individuals affected with dilated cardiomyopathy (PMID: 34292171). It has also been reported in an individual affected with sudden cardiac arrest (PMID: 35528128); the variant was also identified in 3 unaffected family members. This variant has not been identified in the general population by the Genome Aggregation Database (gnomAD). The available evidence is insufficient to determine the role of this variant in disease conclusively. Therefore, this variant is classified as a Variant of Uncertain Significance.

This study involves interpretation of variants in research participants for the purpose of population health screening. Participant phenotype was not available at the time of variant classification. Additional details can be found in publication PMID: 35346344, PMCID: PMC8962531

Greenwood Genetic Center Diagnostic Laboratories, Greenwood Genetic Center
Classification: Pathogenic for Familial partial lipodystrophy, Dunnigan type. Last evaluated: 2023-04-10. Review status: criteria provided, single submitter. Criteria: ACMG Guidelines, 2015. Collection method: clinical testing. Allele origin: germline. Affected: yes.
Comment: PS3, PS4, PM2, PP3

GeneDx
Classification: Pathogenic. Last evaluated: 2022-06-02. Review status: criteria provided, single submitter. Criteria: GeneDx Variant Classification Process June 2021. Collection method: clinical testing. Allele origin: germline. Affected: yes.
Comment: Reported in association with dilated cardiomyopathy, though clinical details were not provided (Haas et al., 2015); Reported as a founder mutation in Creole individuals from Reunion Island, and described to have a dose-dependent effect with more severe clinical manifestations in homozygous individuals compared to heterozygous individuals; non-penetrance in heterozygous individuals has been observed (Le Dour et al., 2011; Andre et al., 2015); Cultured fibroblasts from individuals heterozygous and homozygous this this variant showed misshapen nuclei, and fibroblasts homozygous for the variant demonstrated increased oxidative stress and features of premature senescence (Le Dour et al., 2011); Frameshift variant predicted to result in replacement of the last 10 amino acids with 48 different amino acids; Not observed in large population cohorts (gnomAD); Reported in ClinVar as a pathogenic variant (ClinVar Variant ID# 66878; ClinVar); This variant is associated with the following publications: (PMID: 25819867, 25163546, 21346069, 17711925, 10939567, 35528128, 34292171)

Athena Diagnostics
Classification: Pathogenic for Lipodystrophy, familial partial, type 2. Last evaluated: 2013-07-19. Review status: criteria provided, single submitter. Criteria: Athena Diagnostics Criteria. Collection method: clinical testing. Allele origin: germline. Inheritance: Autosomal recessive inheritance.

Solve-RD Consortium
Classification: Likely pathogenic for Heart-hand syndrome, Slovenian type. Last evaluated: 2022-06-01. Review status: no assertion criteria provided. Collection method: provider interpretation. Allele origin: inherited. Affected: yes. Not counted in ClinVar's aggregate classification.
Comment: Variant confirmed as disease-causing by referring clinical team

Variant identified during reanalysis of unsolved cases by the Solve-RD project. The Solve-RD project has received funding from the European Union’s Horizon 2020 research and innovation programme under grant agreement No 779257.

Epithelial Biology;  Institute of Medical Biology, Singapore
No classification provided. Review status: no classification provided. Collection method: not provided. Allele origin: not provided. Not counted in ClinVar's aggregate classification.

Literature cited by the submitters: PubMed 17711925 (cited by 5 submitters); PubMed 25163546 (cited by 4 submitters); PubMed 25819867 (cited by 4 submitters); PubMed 21346069 (cited by 4 submitters); PubMed 34292171 (cited by 3 submitters); PubMed 35528128 (cited by Color Diagnostics, LLC DBA Color Health and All of Us Research Program, National Institutes of Health); PubMed 39825153 (cited by Solve-RD Consortium).

NM_170707.4(LMNA):c.1961dup (p.Thr655fs)

Gene: LMNA (lamin A/C; plus strand). Cytogenetic location: 1q22.
Variant type: Duplication.
Coding change: c.1961dup on transcript NM_170707.4 (MANE Select); coding-DNA position 1961, one base duplicated (G; older notation c.1961dupG).
Protein change: p.Thr655fs; shifts the reading frame from threonine 655.
Molecular consequence: frameshift variant. On other transcripts: intron variant (1).
Genome position (GRCh38, 1-based): chr1:156,138,750, G duplicated. VCF-style (leftmost placement, unchanged base first): chr1-156138749-C-CG. GRCh37 (hg19) VCF-style: chr1-156108540-C-CG.
Other names: c.1961dupG (NM_170707.4); c.1625dup, p.Thr543fs (NM_001257374.3); c.1871dup, p.Thr625fs (NM_170708.4); c.1818+143dup (NM_001282626.2); short protein forms T655fs, T625fs, T543fs.
Identifiers: ClinVar variation 66878 (VCV000066878.17), dbSNP rs863225024, ClinGen allele CA020498.